The following is an entry in ClinVar:

ClinVar aggregate classification (germline): Likely benign (1 of 4 stars; one submission).

Allele frequency attached by ClinVar (database versions not stated): 1000 Genomes Project 30x 0.00042.

Submission:

CeGaT Center for Human Genetics Tuebingen
Classification: Likely benign. Last evaluated: 2023-03-01. Review status: criteria provided, single submitter. Criteria: CeGaT Center For Human Genetics Tuebingen Variant Classification Criteria Version 2. Collection method: clinical testing. Allele origin: germline. Affected: yes. Observed: 1 variant allele.
Comment: TREX2: BP4, BP7, BS2

NM_080701.4(TREX2):c.624G>A (p.Leu208=)

Gene: TREX2 (three prime repair exonuclease 2; minus strand). Cytogenetic location: Xq28.
Variant type: single nucleotide variant.
Coding change: c.624G>A on transcript NM_080701.4 (MANE Select); coding-DNA position 624, G replaced by A.
Protein change: p.Leu208=; no amino-acid change (leucine 208 retained).
Molecular consequence: synonymous variant.
Genome position (GRCh38, 1-based): chrX:153,444,807, C>T on the plus strand (G>A on the coding strand, the complement: TREX2 is on the minus strand). VCF-style: chrX-153444807-C-T. GRCh37 (hg19) VCF-style: chrX-152710265-C-T.
Other names: c.624G>A, p.Leu208= (NM_007205.3).
Identifiers: ClinVar variation 2661685 (VCV002661685.24), dbSNP rs35639416, ClinGen allele CA10546489.
Genomic context (GRCh38, chrX:153,444,807, plus strand): 5'-CGGCAAGTACATGGGCTCGATGTGGGCCCACCCACGGGCCTGCTCATCGGCCCAGGCGAG[C>T]AGCTCTGCGGCGCGGTGCAGGAAGATCAGGAGCAGGGTGTGCACGTCGCCCTCGGCTGAG-3'
Protein context (NP_542432.2, residues 198-218): LLIFLHRAAE[Leu208=]LAWADEQARG